The following is an entry in ClinVar:

NM_000101.4(CYBA):c.52_58+19delinsA

Gene: CYBA (cytochrome b-245 alpha chain; minus strand). Cytogenetic location: 16q24.2.
Variant type: Indel.
Coding change: c.52_58+19delinsA on transcript NM_000101.4 (MANE Select); coding-DNA position 52 through 19 bases into the intron after coding-DNA position 58, GGCCTGAGTGAGTGCACGTCAGGGAC replaced by A.
Molecular consequence: splice donor variant.
Genome position (GRCh38, 1-based): chr16:88,650,937-88,650,962, GTCCCTGACGTGCACTCACTCAGGCC replaced by T on the plus strand (GGCCTGAGTGAGTGCACGTCAGGGAC replaced by A on the coding strand, the reverse complement: CYBA is on the minus strand). VCF-style: chr16-88650937-GTCCCTGACGTGCACTCACTCAGGCC-T. GRCh37 (hg19) VCF-style: chr16-88717345-GTCCCTGACGTGCACTCACTCAGGCC-T.
Identifiers: ClinVar variation 4081623 (VCV004081623.1).

ClinVar aggregate classification (germline): Likely pathogenic (1 of 4 stars; one submission).

Conditions:
Granulomatous disease, chronic, autosomal recessive, cytochrome b-negative. Also called: GRANULOMATOUS DISEASE, CHRONIC, AUTOSOMAL RECESSIVE, 4; Chronic granulomatous disease, autosomal, due to deficiency of CYBA; CGD DUE TO DEFICIENCY OF THE ALPHA SUBUNIT OF CYTOCHROME b; CGD, AUTOSOMAL RECESSIVE CYTOCHROME b-NEGATIVE; CYBA DEFICIENCY. Identifiers: Orphanet 379, MedGen C1856255, MONDO:0009308, OMIM 233690.

Submission:

Myriad Genetics, Inc.
Classification: Likely pathogenic for Granulomatous disease, chronic, autosomal recessive, cytochrome b-negative. Last evaluated: 2025-06-27. Review status: criteria provided, single submitter. Criteria: Myriad Autosomal Dominant, Autosomal Recessive and X-Linked Classification Criteria (2023). Collection method: clinical testing. Allele origin: unknown.
Comment: NM_000101.3(CYBA):c.52_58+19del26ins1 is a variant in a canonical splice site classified as likely pathogenic in the context of chronic granulomatous disease, CYBA-related. c.52_58+19del26ins1 has not been observed in cases with relevant disease. Relevant functional assessments of this variant are not available in the literature. c.52_58+19del26ins1 has not been observed in referenced population frequency databases. In summary, NM_000101.3(CYBA):c.52_58+19del26ins1 is a variant in a canonical splice site in a gene where loss of function is a known mechanism of disease and is predicted to disrupt protein function. Please note: this variant was assessed in the context of healthy population screening.